The following is an entry in ClinVar:

NM_133433.4(NIPBL):c.3406G>T (p.Glu1136Ter)

Gene: NIPBL (NIPBL cohesin loading factor; plus strand). Cytogenetic location: 5p13.2.
Variant type: single nucleotide variant.
Coding change: c.3406G>T on transcript NM_133433.4 (MANE Select); coding-DNA position 3406, G replaced by T.
Protein change: p.Glu1136Ter; replaces glutamic acid 1136 with a stop codon.
Molecular consequence: nonsense.
Genome position (GRCh38, 1-based): chr5:37,000,474, G>T. VCF-style: chr5-37000474-G-T. GRCh37 (hg19) VCF-style: chr5-37000576-G-T.
Other names: c.3406G>T, p.Glu1136Ter (NM_015384.5); short protein forms E1136*.
Identifiers: ClinVar variation 1457272 (VCV001457272.6), dbSNP rs2149669144, ClinGen allele CA359517819.

ClinVar aggregate classification (germline): Pathogenic (1 of 4 stars; one submission).

Conditions:
Cornelia de Lange syndrome 1 (CDLS1). Also called: Brachmann de Lange syndrome; NIPBL-Related Cornelia de Lange Syndrome; TYPUS DEGENERATIVUS AMSTELODAMENSIS. Identifiers: Orphanet 199, MedGen C4551851, MONDO:0007387, OMIM 122470.

Submission:

Labcorp Genetics (formerly Invitae), Labcorp
Classification: Pathogenic for Cornelia de Lange syndrome 1. Last evaluated: 2021-06-22. Review status: criteria provided, single submitter. Criteria: Invitae Variant Classification Sherloc (09022015). Collection method: clinical testing. Allele origin: germline.
Comment: This sequence change creates a premature translational stop signal (p.Glu1136*) in the NIPBL gene. It is expected to result in an absent or disrupted protein product. Loss-of-function variants in NIPBL are known to be pathogenic (PMID: 15318302, 19763162, 23505322, 29995837). This variant is not present in population databases (ExAC no frequency). This variant has not been reported in the literature in individuals affected with NIPBL-related conditions. For these reasons, this variant has been classified as Pathogenic.

Literature cited by the submitters: PubMed 15318302; PubMed 19763162; PubMed 23505322; PubMed 29995837.